The following is an entry in ClinVar:

NM_012463.4(ATP6V0A2):c.43C>T (p.Leu15Phe)

Genes: ATP6V0A2 (ATPase H+ transporting V0 subunit a2; plus strand), LOC130009117 (ATAC-STARR-seq lymphoblastoid silent region 5049; plus strand). Cytogenetic location: 12q24.31.
Variant type: single nucleotide variant.
Coding change: c.43C>T on transcript NM_012463.4 (MANE Select); coding-DNA position 43, C replaced by T.
Protein change: p.Leu15Phe; replaces leucine 15 with phenylalanine.
Molecular consequence: missense variant.
Genome position (GRCh38, 1-based): chr12:123,712,608, C>T. VCF-style: chr12-123712608-C-T. GRCh37 (hg19) VCF-style: chr12-124197155-C-T.
Other names: short protein forms L15F.
Identifiers: ClinVar variation 5005054 (VCV005005054.2).

ClinVar aggregate classification (germline): Uncertain significance (1 of 4 stars; one submission).

Conditions:
Wrinkly skin syndrome (WSS). Also called: Type of Gerodermia osteodysplastica. Identifiers: Orphanet 2834, MedGen C0406587, MONDO:0010208, OMIM 278250.
Cutis laxa with osteodystrophy (ARCL2A). Also called: CUTIS LAXA, AUTOSOMAL RECESSIVE, TYPE IIA; Debré-Type Cutis Laxa; CUTIS LAXA WITH BONE DYSTROPHY; CUTIS LAXA WITH GROWTH AND DEVELOPMENTAL DELAY; CUTIS LAXA WITH JOINT LAXITY AND RETARDED DEVELOPMENT; CUTIS LAXA WITH CONGENITAL DISORDER OF GLYCOSYLATION. Identifiers: Orphanet 357058, MedGen C0268355, MONDO:0018163, OMIM 219200. Disease mechanism: loss of function.

Submission:

Juno Genomics, Hangzhou Juno Genomics, Inc
Classification: Uncertain significance for Cutis laxa with osteodystrophy; Wrinkly skin syndrome. Review status: criteria provided, single submitter. Criteria: ACMG Guidelines, 2015. Collection method: clinical testing. Allele origin: germline.
Comment: Absent from controls (or at extremely low frequency if recessive) in Genome Aggregation Database.;Multiple lines of computational evidence support a deleterious effect on the gene or gene product.